The following is an entry in ClinVar:

ClinVar aggregate classification (germline): Uncertain significance (1 of 4 stars; one submission).

Allele frequency attached by ClinVar (database versions not stated): gnomAD exomes below 0.00001; gnomAD 0.00001.
gnomAD v4.1: 2 of 1,611,108 alleles (0.00012%); highest among the groups gnomAD compares: African/African-American, 0.0027%; no homozygotes.

Submission:

Labcorp Genetics (formerly Invitae), Labcorp
Classification: Uncertain significance. Last evaluated: 2022-03-14. Review status: criteria provided, single submitter. Criteria: Invitae Variant Classification Sherloc (09022015). Collection method: clinical testing. Allele origin: germline.
Comment: Algorithms developed to predict the effect of missense changes on protein structure and function are either unavailable or do not agree on the potential impact of this missense change (SIFT: "Deleterious"; PolyPhen-2: "Probably Damaging"; Align-GVGD: "Class C15"). In summary, the available evidence is currently insufficient to determine the role of this variant in disease. Therefore, it has been classified as a Variant of Uncertain Significance. ClinVar contains an entry for this variant (Variation ID: 1026462). This variant has not been reported in the literature in individuals affected with PCDH15-related conditions. This variant is not present in population databases (gnomAD no frequency). This sequence change replaces proline, which is neutral and non-polar, with leucine, which is neutral and non-polar, at codon 1256 of the PCDH15 protein (p.Pro1256Leu).

NM_001384140.1(PCDH15):c.3767C>T (p.Pro1256Leu)

Gene: PCDH15 (protocadherin related 15; minus strand). Cytogenetic location: 10q21.1.
Variant type: single nucleotide variant.
Coding change: c.3767C>T on transcript NM_001384140.1 (MANE Select); coding-DNA position 3767, C replaced by T.
Protein change: p.Pro1256Leu; replaces proline 1256 with leucine.
Molecular consequence: missense variant.
Genome position (GRCh38, 1-based): chr10:53,857,214, G>A on the plus strand (C>T on the coding strand, the complement: PCDH15 is on the minus strand). VCF-style: chr10-53857214-G-A. GRCh37 (hg19) VCF-style: chr10-55616974-G-A.
Other names: c.3782C>T, p.Pro1261Leu (NM_001142763.2, NM_001142771.2); c.3767C>T, p.Pro1256Leu (NM_001142764.2, NM_001142766.2, NM_001142770.3 and 4 more transcripts); c.3554C>T, p.Pro1185Leu (NM_001142765.2); c.3656C>T, p.Pro1219Leu (NM_001142767.2); c.3701C>T, p.Pro1234Leu (NM_001142768.2, NM_001142773.2, NM_001354404.2); c.3803C>T, p.Pro1268Leu (NM_001142769.4); c.3788C>T, p.Pro1263Leu (NM_001354411.2); short protein forms P1185L, P1219L, P1234L, P1256L, P1261L, P1263L, P1268L.
Identifiers: ClinVar variation 1026462 (VCV001026462.8), dbSNP rs949234256, ClinGen allele CA207179479.
Genomic context (GRCh38, chr10:53,857,214, plus strand): 5'-TAAGGAGACAAAATCAATTACTCTGTAAGATCTTCTATCTTTTTTTCCACTAGAGTAGGA[G>A]GCACATTGGAAACAATGACTTGCATATCCAGCTGATTGACCACGGAGACCTGAAAGAAGA-3'
Protein context (NP_001371069.1, residues 1246-1266): LDMQVIVSNV[Pro1256Leu]PTLVEKKIED